The following is an entry in ClinVar:

ClinVar aggregate classification (germline): Uncertain significance (1 of 4 stars; one submission).

Allele frequency attached by ClinVar (database versions not stated): TOPMed below 0.00001.
gnomAD v4.1: 1 of 1,207,844 alleles (0.000083%); no homozygotes.

Submission:

CeGaT Center for Human Genetics Tuebingen
Classification: Uncertain significance. Last evaluated: 2023-08-01. Review status: criteria provided, single submitter. Criteria: CeGaT Center For Human Genetics Tuebingen Variant Classification Criteria Version 2. Collection method: clinical testing. Allele origin: germline. Affected: yes. Observed: 1 variant allele.
Comment: KDM6A: PM2

NM_001291415.2(KDM6A):c.1997C>T (p.Ala666Val)

Gene: KDM6A (lysine demethylase 6A; plus strand). Cytogenetic location: Xp11.3.
Variant type: single nucleotide variant.
Coding change: c.1997C>T on transcript NM_001291415.2 (MANE Select); coding-DNA position 1997, C replaced by T.
Protein change: p.Ala666Val; replaces alanine 666 with valine.
Molecular consequence: missense variant. On other transcripts: non-coding transcript variant (1).
Genome position (GRCh38, 1-based): chrX:45,063,735, C>T. VCF-style: chrX-45063735-C-T. GRCh37 (hg19) VCF-style: chrX-44922980-C-T.
Other names: c.1862C>T, p.Ala621Val (NM_001291416.2, NM_001419811.1); c.1706C>T, p.Ala569Val (NM_001291417.2); c.1604C>T, p.Ala535Val (NM_001291418.2, NM_001419815.1); c.953C>T, p.Ala318Val (NM_001291421.2); c.1739C>T, p.Ala580Val (NM_001410742.1, NM_001419814.1); c.1997C>T, p.Ala666Val (NM_001419809.1); c.1895C>T, p.Ala632Val (NM_001419810.1, NM_001419813.1); c.1841C>T, p.Ala614Val (NM_001419812.1, NM_021140.4); short protein forms A318V, A535V, A569V, A580V, A614V, A621V, A632V, A666V.
Identifiers: ClinVar variation 2660371 (VCV002660371.24), dbSNP rs751119417, ClinGen allele CA412790470.
Genomic context (GRCh38, chrX:45,063,735, plus strand): 5'-GCAATAATCATATAACAGGAAGTGGAAGTAATGGAAACGTGCCTTACCTGCAGCGAAACG[C>T]ACTCACTCTACCTCATAACCGCACAAACCTGACCAGCAGCGCAGAGGAGCCGTGGAAAAA-3'
Protein context (NP_001278344.1, residues 656-676): NGNVPYLQRN[Ala666Val]LTLPHNRTNL